The following is an entry in ClinVar:

NM_058216.3(RAD51C):c.547A>T (p.Ile183Leu)

Gene: RAD51C (RAD51 paralog C; plus strand). Cytogenetic location: 17q22.
Variant type: single nucleotide variant.
Coding change: c.547A>T on transcript NM_058216.3 (MANE Select); coding-DNA position 547, A replaced by T.
Protein change: p.Ile183Leu; replaces isoleucine 183 with leucine.
Molecular consequence: missense variant.
Genome position (GRCh38, 1-based): chr17:58,696,835, A>T. VCF-style: chr17-58696835-A-T. GRCh37 (hg19) VCF-style: chr17-56774196-A-T.
Other names: short protein forms I183L.
Identifiers: ClinVar variation 4542668 (VCV004542668.1).

ClinVar aggregate classification (germline): Uncertain significance (1 of 4 stars; one submission).

Conditions:
Hereditary cancer-predisposing syndrome. Also called: Tumor predisposition; Hereditary Cancer Syndrome; Hereditary neoplastic syndrome; Neoplastic Syndromes, Hereditary. Identifiers: Orphanet 140162, MedGen C0027672, MeSH D009386, MONDO:0015356.

gnomAD v4.1: 1 of 1,614,212 alleles (0.000062%); no homozygotes.

Submission:

Ambry Genetics
Classification: Uncertain significance for Hereditary cancer-predisposing syndrome. Last evaluated: 2025-11-11. Review status: criteria provided, single submitter. Criteria: Ambry Variant Classification Scheme 2023. Collection method: clinical testing. Allele origin: germline.
Comment: The p.I183L variant (also known as c.547A>T), located in coding exon 3 of the RAD51C gene, results from an A to T substitution at nucleotide position 547. The isoleucine at codon 183 is replaced by leucine, an amino acid with highly similar properties. This amino acid position is conserved. In addition, this alteration is predicted to be tolerated by in silico analysis. Based on the available evidence, the clinical significance of this variant remains unclear.